The following is an entry in ClinVar:

NM_005633.4(SOS1):c.3902A>G (p.His1301Arg)

Gene: SOS1 (SOS Ras/Rac guanine nucleotide exchange factor 1; minus strand). Cytogenetic location: 2p22.1.
Variant type: single nucleotide variant.
Coding change: c.3902A>G on transcript NM_005633.4 (MANE Select); coding-DNA position 3902, A replaced by G.
Protein change: p.His1301Arg; replaces histidine 1301 with arginine.
Molecular consequence: missense variant.
Genome position (GRCh38, 1-based): chr2:38,985,924, T>C on the plus strand (A>G on the coding strand, the complement: SOS1 is on the minus strand). VCF-style: chr2-38985924-T-C. GRCh37 (hg19) VCF-style: chr2-39213065-T-C.
Other names: c.3881A>G, p.His1294Arg (NM_001382394.1); c.3857A>G, p.His1286Arg (NM_001382395.1); short protein forms H1286R, H1294R, H1301R.
Identifiers: ClinVar variation 939103 (VCV000939103.11), dbSNP rs771396497, ClinGen allele CA1624098.

ClinVar aggregate classification (germline): Conflicting classifications of pathogenicity. Review status: criteria provided, conflicting classifications (1 of 4 stars). 3 submissions from 3 submitters: Uncertain significance (2); Likely benign (1). Last evaluated 2025-03-25.

Conditions:
Cardiovascular phenotype. Identifiers: MedGen CN230736.
Noonan syndrome 4 (NS4). Also called: SOS1-Related Noonan Syndrome; NOONAN SYNDROME WITH PIGMENTED VILLONODULAR SYNOVITIS. Identifiers: Orphanet 648, MedGen C1853120, MONDO:0012547, OMIM 610733.
Fibromatosis, gingival, 1 (GINGF1). Identifiers: Orphanet 2024, MedGen C4551558, MONDO:0007609, OMIM 135300.
RASopathy. Also called: rasopathies; Noonan spectrum disorder. Identifiers: Orphanet 536391, MedGen C5555857, MONDO:0021060.

Allele frequency attached by ClinVar (database versions not stated): gnomAD exomes below 0.00001; ExAC 0.00001; gnomAD 0.00001; TOPMed 0.00001.
gnomAD v4.1: 3 of 1,613,818 alleles (0.00019%); highest among the groups gnomAD compares: East Asian, 0.0022%; no homozygotes.

Submissions (3):

Ambry Genetics
Classification: Uncertain significance for Cardiovascular phenotype. Last evaluated: 2025-03-25. Review status: criteria provided, single submitter. Criteria: Ambry Variant Classification Scheme 2023. Collection method: clinical testing. Allele origin: germline.
Comment: The p.H1301R variant (also known as c.3902A>G), located in coding exon 23 of the SOS1 gene, results from an A to G substitution at nucleotide position 3902. The histidine at codon 1301 is replaced by arginine, an amino acid with highly similar properties. This amino acid position is conserved. In addition, this alteration is predicted to be tolerated by in silico analysis. Based on the available evidence, the clinical significance of this variant remains unclear.

Labcorp Genetics (formerly Invitae), Labcorp
Classification: Likely benign for RASopathy. Last evaluated: 2023-02-14. Review status: criteria provided, single submitter. Criteria: Invitae Variant Classification Sherloc (09022015). Collection method: clinical testing. Allele origin: germline.

Fulgent Genetics
Classification: Uncertain significance for Fibromatosis, gingival, 1; Noonan syndrome 4. Last evaluated: 2021-10-13. Review status: criteria provided, single submitter. Criteria: ACMG Guidelines, 2015. Collection method: clinical testing. Allele origin: unknown.